The following is an entry in ClinVar:

NM_000057.4(BLM):c.3031G>A (p.Gly1011Arg)

Gene: BLM (BLM RecQ like helicase; plus strand). Cytogenetic location: 15q26.1.
Variant type: single nucleotide variant.
Coding change: c.3031G>A on transcript NM_000057.4 (MANE Select); coding-DNA position 3031, G replaced by A.
Protein change: p.Gly1011Arg; replaces glycine 1011 with arginine.
Molecular consequence: missense variant.
Genome position (GRCh38, 1-based): chr15:90,794,178, G>A. VCF-style: chr15-90794178-G-A. GRCh37 (hg19) VCF-style: chr15-91337408-G-A.
Other names: c.3031G>A, p.Gly1011Arg (NM_001287246.2, NM_001287247.2); c.1906G>A, p.Gly636Arg (NM_001287248.2); short protein forms G1011R, G636R.
Identifiers: ClinVar variation 405280 (VCV000405280.18), dbSNP rs370073229, ClinGen allele CA7738927.

ClinVar aggregate classification (germline): Uncertain significance. Review status: criteria provided, multiple submitters, no conflicts (2 of 4 stars). 4 submissions from 4 submitters: Uncertain significance (3). 1 of the submissions does not count toward it. Last evaluated 2026-01-18.

Conditions:
Bloom syndrome (BLM). Also called: Bloom-Torre-Machacek syndrome. Identifiers: Orphanet 125, MedGen C0005859, MONDO:0008876, OMIM 210900.
Hereditary cancer-predisposing syndrome. Also called: Hereditary Cancer Syndrome; Hereditary neoplastic syndrome; Neoplastic Syndromes, Hereditary; Tumor predisposition. Identifiers: Orphanet 140162, MedGen C0027672, MeSH D009386, MONDO:0015356.

Allele frequency attached by ClinVar (database versions not stated): gnomAD exomes below 0.00001 and 0.00001; ExAC 0.00002; gnomAD 0.00003 and 0.00004; TOPMed 0.00003; ESP Exome Variant Server 0.00008.
gnomAD v4.1: 11 of 1,601,372 alleles (0.00069%); highest among the groups gnomAD compares: East Asian, 0.0023%; no homozygotes.

Submissions (4):

Labcorp Genetics (formerly Invitae), Labcorp
Classification: Uncertain significance for Bloom syndrome. Last evaluated: 2026-01-18. Review status: criteria provided, single submitter. Criteria: Invitae Variant Classification Sherloc (09022015). Collection method: clinical testing. Allele origin: germline.
Comment: This sequence change replaces glycine, which is neutral and non-polar, with arginine, which is basic and polar, at codon 1011 of the BLM protein (p.Gly1011Arg). This variant is present in population databases (rs370073229, gnomAD 0.006%). This variant has not been reported in the literature in individuals affected with BLM-related conditions. ClinVar contains an entry for this variant (Variation ID: 405280). Invitae Evidence Modeling of protein sequence and biophysical properties (such as structural, functional, and spatial information, amino acid conservation, physicochemical variation, residue mobility, and thermodynamic stability) indicates that this missense variant is not expected to disrupt BLM protein function with a negative predictive value of 80%. In summary, the available evidence is currently insufficient to determine the role of this variant in disease. Therefore, it has been classified as a Variant of Uncertain Significance.

Ambry Genetics
Classification: Uncertain significance for Hereditary cancer-predisposing syndrome. Last evaluated: 2024-08-19. Review status: criteria provided, single submitter. Criteria: Ambry Variant Classification Scheme 2023. Collection method: clinical testing. Allele origin: germline.
Comment: The p.G1011R variant (also known as c.3031G>A), located in coding exon 15 of the BLM gene, results from a G to A substitution at nucleotide position 3031. The glycine at codon 1011 is replaced by arginine, an amino acid with dissimilar properties. This amino acid position is highly conserved in available vertebrate species. In addition, the in silico prediction for this alteration is inconclusive. Since supporting evidence is limited at this time, the clinical significance of this alteration remains unclear.

Genetic Services Laboratory, University of Chicago
Classification: Uncertain significance. Last evaluated: 2021-08-17. Review status: criteria provided, single submitter. Criteria: ACMG Guidelines, 2015. Collection method: clinical testing. Allele origin: germline. Affected: no.
Comment: DNA sequence analysis of the BLM gene demonstrated a sequence change, c.3031G>A, in exon 16 that results in an amino acid change, p.Gly1011Arg. This sequence change has been described in the gnomAD database with a frequency of 0.0055% in the East Asian subpopulation (dbSNP rs370073229). The p.Gly1011Arg change affects a moderately conserved amino acid residue located in a domain of the BLM protein that is known to be functional. The p.Gly1011Arg substitution appears to be benign using several in-silico pathogenicity prediction tools (SIFT, PolyPhen2, Align GVGD, REVEL). This sequence change does not appear to have been previously described in individuals with BLM-related disorders. Due to insufficient evidences and the lack of functional studies, the clinical significance of the p.Gly1011Arg change remains unknown at this time.

Natera, Inc.
Classification: Uncertain significance for Bloom syndrome. Last evaluated: 2020-09-16. Review status: no assertion criteria provided. Collection method: clinical testing. Allele origin: germline. Not counted in ClinVar's aggregate classification.